The following is an entry in ClinVar:

NM_006662.3(SRCAP):c.4903T>A (p.Ser1635Thr)

Gene: SRCAP (Snf2 related CREBBP activator protein; plus strand). Cytogenetic location: 16p11.2.
Variant type: single nucleotide variant.
Coding change: c.4903T>A on transcript NM_006662.3 (MANE Select); coding-DNA position 4903, T replaced by A.
Protein change: p.Ser1635Thr; replaces serine 1635 with threonine.
Molecular consequence: missense variant.
Genome position (GRCh38, 1-based): chr16:30,724,327, T>A. VCF-style: chr16-30724327-T-A. GRCh37 (hg19) VCF-style: chr16-30735648-T-A.
Other names: short protein forms S1635T.
Identifiers: ClinVar variation 3378228 (VCV003378228.1).

ClinVar aggregate classification (germline): Uncertain significance (1 of 4 stars; one submission).

Submission:

GeneDx
Classification: Uncertain significance. Last evaluated: 2024-05-14. Review status: criteria provided, single submitter. Criteria: GeneDx Variant Classification Process June 2021. Collection method: clinical testing. Allele origin: germline. Affected: yes.
Comment: Not observed at significant frequency in large population cohorts (gnomAD); In silico analysis indicates that this missense variant does not alter protein structure/function; Has not been previously published as pathogenic or benign to our knowledge